The following is an entry in ClinVar:

ClinVar aggregate classification (germline): Uncertain significance (1 of 4 stars; one submission).

Conditions:
Neuroblastoma, susceptibility to, 3. Also called: ALK-Related Neuroblastic Tumor Susceptibility. Identifiers: Orphanet 635, MedGen C2751681, MONDO:0013083, OMIM 613014.

Submission:

Labcorp Genetics (formerly Invitae), Labcorp
Classification: Uncertain significance for Neuroblastoma, susceptibility to, 3. Last evaluated: 2022-11-28. Review status: criteria provided, single submitter. Criteria: Invitae Variant Classification Sherloc (09022015). Collection method: clinical testing. Allele origin: germline.
Comment: This sequence change replaces serine, which is neutral and polar, with cysteine, which is neutral and slightly polar, at codon 277 of the ALK protein (p.Ser277Cys). This variant is not present in population databases (gnomAD no frequency). This variant has not been reported in the literature in individuals affected with ALK-related conditions. ClinVar contains an entry for this variant (Variation ID: 1379234). Algorithms developed to predict the effect of missense changes on protein structure and function are either unavailable or do not agree on the potential impact of this missense change (SIFT: "Deleterious"; PolyPhen-2: "Possibly Damaging"; Align-GVGD: "Class C0"). In summary, the available evidence is currently insufficient to determine the role of this variant in disease. Therefore, it has been classified as a Variant of Uncertain Significance.

NM_004304.5(ALK):c.830C>G (p.Ser277Cys)

Gene: ALK (ALK receptor tyrosine kinase; minus strand). Cytogenetic location: 2p23.2.
Variant type: single nucleotide variant.
Coding change: c.830C>G on transcript NM_004304.5 (MANE Select); coding-DNA position 830, C replaced by G.
Protein change: p.Ser277Cys; replaces serine 277 with cysteine.
Molecular consequence: missense variant.
Genome position (GRCh38, 1-based): chr2:29,694,972, G>C on the plus strand (C>G on the coding strand, the complement: ALK is on the minus strand). VCF-style: chr2-29694972-G-C. GRCh37 (hg19) VCF-style: chr2-29917838-G-C.
Other names: short protein forms S277C.
Identifiers: ClinVar variation 1379234 (VCV001379234.6), dbSNP rs1486167712, ClinGen allele CA346587054.
Genomic context (GRCh38, chr2:29,694,972, plus strand): 5'-TCCTCGGAGGGGATGCGGCGCCAGGACCAGCTCTGGTTCCTGAGGTCATGCAGTGGAGGG[G>C]AATACTCCAGCTCACAGGGGAAGTCAAAGCTGCACTCCAGACCTGCAATAATAGCCAAGG-3'
Protein context (NP_004295.2, residues 267-287): SFDFPCELEY[Ser277Cys]PPLHDLRNQS